The following is an entry in ClinVar:

NM_000083.3(CLCN1):c.478C>T (p.Gln160Ter)

Gene: CLCN1 (chloride voltage-gated channel 1; plus strand). Cytogenetic location: 7q34.
Variant type: single nucleotide variant.
Coding change: c.478C>T on transcript NM_000083.3 (MANE Select); coding-DNA position 478, C replaced by T.
Protein change: p.Gln160Ter; replaces glutamine 160 with a stop codon.
Molecular consequence: nonsense. On other transcripts: non-coding transcript variant (1).
Genome position (GRCh38, 1-based): chr7:143,321,409, C>T. VCF-style: chr7-143321409-C-T. GRCh37 (hg19) VCF-style: chr7-143018502-C-T.
Other names: short protein forms Q160*.
Identifiers: ClinVar variation 661766 (VCV000661766.13), dbSNP rs1586485406, ClinGen allele CA369683546.

ClinVar aggregate classification (germline): Pathogenic. Review status: criteria provided, multiple submitters, no conflicts (2 of 4 stars). 3 submissions from 3 submitters: Pathogenic (2). 1 of the submissions does not count toward it. Last evaluated 2024-04-30.

Conditions:
Congenital myotonia, autosomal dominant form (THD). Also called: THOMSEN DISEASE; Myotonia congenita autosomal dominant. Identifiers: Orphanet 614, MedGen C2936781, MONDO:0008055, OMIM 160800.
Congenital myotonia, autosomal recessive form. Also called: BECKER DISEASE; Becker Generalized Myotonia; myotonia congenita, autosomal recessive. Identifiers: Orphanet 614, MedGen C0751360, MONDO:0009715, OMIM 255700.
Tip-toe gait. Also called: Toe walking. Identifiers: MedGen C0427144, HP:0030051.

Allele frequency attached by ClinVar (database versions not stated): gnomAD exomes 0.00001.
gnomAD v4.1: 3 of 1,614,224 alleles (0.00019%); highest among the groups gnomAD compares: Non-Finnish European, 0.00025%; no homozygotes.

Submissions (3):

Labcorp Genetics (formerly Invitae), Labcorp
Classification: Pathogenic for Congenital myotonia, autosomal recessive form; Congenital myotonia, autosomal dominant form. Last evaluated: 2024-04-30. Review status: criteria provided, single submitter. Criteria: Invitae Variant Classification Sherloc (09022015). Collection method: clinical testing. Allele origin: germline.
Comment: This sequence change creates a premature translational stop signal (p.Gln160*) in the CLCN1 gene. It is expected to result in an absent or disrupted protein product. Loss-of-function variants in CLCN1 are known to be pathogenic (PMID: 17932099, 22094069, 23739125). This variant is not present in population databases (gnomAD no frequency). This premature translational stop signal has been observed in individual(s) with myotonia congenita (PMID: 23739125). ClinVar contains an entry for this variant (Variation ID: 661766). Algorithms developed to predict the effect of sequence changes on RNA splicing suggest that this variant may disrupt the consensus splice site. For these reasons, this variant has been classified as Pathogenic.

Kariminejad - Najmabadi Pathology & Genetics Center
Classification: Pathogenic for Congenital myotonia, autosomal recessive form. Last evaluated: 2024-02-26. Review status: criteria provided, single submitter. Criteria: ACMG Guidelines, 2015. Collection method: clinical testing. Allele origin: germline. Inheritance: Autosomal recessive inheritance. Affected: yes.
Comment: PVS1,PM2,PP5

Practice for Gait Abnormalities, David Pomarino, Competency Network Toe Walking C/o Practice Pomarino
Classification: Likely pathogenic for Tip-toe gait. Last evaluated: 2022-10-10. Review status: no assertion criteria provided. Collection method: clinical testing. Allele origin: germline. Affected: yes. Not counted in ClinVar's aggregate classification.
Comment: Myopathy refers to diseases that affect skeletal Muscles. These diseases attack muscle fibers, making muscles weak. Inherited myopathies are often caused by inheriting an abnormal gene mutation from a parent that causes the disease. Symptoms of congenital myopathies usually start at birth or in early childhood, but may not appear until the teen years or even later in adulthood. Congenital myopathies are somewhat unique compared with other inherited myopathies, as weakness typically affects all muscles and is often not progressive. Symptoms are: Muscle weakness, most commonly of upper arms and shoulders and thighs, muscle cramps, stiffness and spasms, fatigue with exertion and lack of energy. Our patients all walk on tiptoe, so they show similar symptoms. When we genetically test them with our toe walking panel, we find that around 90 per cent of them have a genetic variant that explains their toe walking. These can be assigned, for example, to the area of myopathies (such as variants of the COL6A3 gene), the area of hereditary neuropathies (such as variants of the KMT2C gene) or the area of metabolic diseases (such as variants of the PYGM gene). In a smaller group of patients with almost identical symptoms, no abnormality is found in the genes of our panel, but spastic paraplegia can be detected. In another small group of our toe walkers, no abnormalities can be detected in the genes analysed in our toe walking panel, nor do they suffer from spastic paraplegia, as is also the case with healthy children. In contrast to these, however, they show a tiptoe gait. These patients suffer from infantile cerebral palsy, in which toe walking can also be observed.

Literature cited by the submitters: PubMed 17932099 (cited by Labcorp Genetics (formerly Invitae), Labcorp); PubMed 22094069 (cited by Labcorp Genetics (formerly Invitae), Labcorp); PubMed 23739125 (cited by Labcorp Genetics (formerly Invitae), Labcorp); PubMed 37091313 (cited by Practice for Gait Abnormalities, David Pomarino, Competency Network Toe Walking C/o Practice Pomarino).